The following is an entry in ClinVar:

NM_001378454.1(ALMS1):c.3999C>G (p.Phe1333Leu)

Gene: ALMS1 (ALMS1 centrosome and basal body associated protein; plus strand). Cytogenetic location: 2p13.1.
Variant type: single nucleotide variant.
Coding change: c.3999C>G on transcript NM_001378454.1 (MANE Select); coding-DNA position 3999, C replaced by G.
Protein change: p.Phe1333Leu; replaces phenylalanine 1333 with leucine.
Molecular consequence: missense variant.
Genome position (GRCh38, 1-based): chr2:73,450,526, C>G. VCF-style: chr2-73450526-C-G. GRCh37 (hg19) VCF-style: chr2-73677653-C-G.
Other names: c.4002C>G, p.Phe1334Leu (NM_015120.4); short protein forms F1334L, F1333L.
Identifiers: ClinVar variation 2052416 (VCV002052416.1), dbSNP rs1435396346, ClinGen allele CA347277246.

ClinVar aggregate classification (germline): Uncertain significance (1 of 4 stars; one submission).

Conditions:
Alstrom syndrome (ALMS). Identifiers: Orphanet 64, MedGen C0268425, MONDO:0008763, OMIM 203800.

Allele frequency attached by ClinVar (database versions not stated): gnomAD exomes below 0.00001; TOPMed below 0.00001; gnomAD 0.00001.
gnomAD v4.1: 3 of 1,610,598 alleles (0.00019%); highest among the groups gnomAD compares: African/African-American, 0.0041%; no homozygotes.

Submission:

Labcorp Genetics (formerly Invitae), Labcorp
Classification: Uncertain significance for Alstrom syndrome. Last evaluated: 2022-05-06. Review status: criteria provided, single submitter. Criteria: Invitae Variant Classification Sherloc (09022015). Collection method: clinical testing. Allele origin: germline.
Comment: This sequence change replaces phenylalanine, which is neutral and non-polar, with leucine, which is neutral and non-polar, at codon 1334 of the ALMS1 protein (p.Phe1334Leu). This variant is present in population databases (no rsID available, gnomAD 0.01%). This variant has not been reported in the literature in individuals affected with ALMS1-related conditions. Experimental studies and prediction algorithms are not available or were not evaluated, and the functional significance of this variant is currently unknown. In summary, the available evidence is currently insufficient to determine the role of this variant in disease. Therefore, it has been classified as a Variant of Uncertain Significance.